The following is an entry in ClinVar:

NM_001040142.2(SCN2A):c.697+3G>A

Gene: SCN2A (sodium voltage-gated channel alpha subunit 2; plus strand). Cytogenetic location: 2q24.3.
Variant type: single nucleotide variant.
Coding change: c.697+3G>A on transcript NM_001040142.2 (MANE Select); 3 bases into the intron after coding-DNA position 697, G replaced by A.
Molecular consequence: intron variant.
Genome position (GRCh38, 1-based): chr2:165,309,446, G>A. VCF-style: chr2-165309446-G-A. GRCh37 (hg19) VCF-style: chr2-166165956-G-A.
Other names: c.697+190G>A (NM_001040143.2, NM_001371246.1); c.697+3G>A (NM_001371247.1, NM_021007.3).
Identifiers: ClinVar variation 533485 (VCV000533485.9), dbSNP rs754960917, ClinGen allele CA1939676.
Genomic context (GRCh38, chr2:165,309,446, plus strand): 5'-TCAGCGTTGAGAACATTCAGAGTTCTCCGAGCATTGAAAACAATTTCAGTCATTCCAGGT[G>A]AGAGCTAGGTTAAACACCGAGGCTGACTTTAGCTACAGTGGTGCTACAATCACAGCTTTT-3'

ClinVar aggregate classification (germline): Uncertain significance. Review status: criteria provided, multiple submitters, no conflicts (2 of 4 stars). 2 submissions from 2 submitters: Uncertain significance (2). Last evaluated 2025-08-18.

Conditions:
Developmental and epileptic encephalopathy, 11 (DEE11). Also called: Early infantile epileptic encephalopathy 11. Identifiers: Orphanet 1934, MedGen C3150987, MONDO:0013388, OMIM 613721.
Seizures, benign familial infantile, 3 (BFIS3). Also called: CONVULSIONS, BENIGN FAMILIAL INFANTILE, 3; Familial neonatal seizures. Identifiers: Orphanet 140927, Orphanet 306, MedGen C1843140, MONDO:0011904, OMIM 607745.

Allele frequency attached by ClinVar (database versions not stated): TOPMed below 0.00001; gnomAD exomes 0.00001; ExAC 0.00002.

Submissions (2):

Labcorp Genetics (formerly Invitae), Labcorp
Classification: Uncertain significance for Seizures, benign familial infantile, 3; Developmental and epileptic encephalopathy, 11. Last evaluated: 2025-08-18. Review status: criteria provided, single submitter. Criteria: Invitae Variant Classification Sherloc (09022015). Collection method: clinical testing. Allele origin: germline.
Comment: This sequence change falls in intron 6 of the SCN2A gene. It does not directly change the encoded amino acid sequence of the SCN2A protein. It affects a nucleotide within the consensus splice site. This variant is present in population databases (rs754960917, gnomAD 0.006%). This variant has not been reported in the literature in individuals affected with SCN2A-related conditions. ClinVar contains an entry for this variant (Variation ID: 533485). Variants that disrupt the consensus splice site are a relatively common cause of aberrant splicing (PMID: 17576681, 9536098). Algorithms developed to predict the effect of sequence changes on RNA splicing suggest that this variant is not likely to affect RNA splicing. In summary, the available evidence is currently insufficient to determine the role of this variant in disease. Therefore, it has been classified as a Variant of Uncertain Significance.

Revvity Omics, Revvity
Classification: Uncertain significance. Last evaluated: 2019-04-12. Review status: criteria provided, single submitter. Criteria: ACMG Guidelines, 2015. Collection method: clinical testing. Allele origin: germline.

Literature cited by the submitters: PubMed 17576681 (cited by Labcorp Genetics (formerly Invitae), Labcorp); PubMed 9536098 (cited by Labcorp Genetics (formerly Invitae), Labcorp).